The following is an entry in ClinVar:

ClinVar aggregate classification (germline): Uncertain significance. Review status: criteria provided, multiple submitters, no conflicts (2 of 4 stars). 2 submissions from 2 submitters: Uncertain significance (2). Last evaluated 2025-09-28.

Conditions:
Agammaglobulinemia 2, autosomal recessive (AGM2). Also called: AGAMMAGLOBULINEMIA, AUTOSOMAL RECESSIVE, DUE TO IGLL1 DEFECT. Identifiers: MedGen C3150750, MONDO:0013287, OMIM 613500.

Allele frequency attached by ClinVar (database versions not stated): gnomAD 0.00001 and 0.00008; TOPMed 0.00002; gnomAD exomes 0.00009 and 0.00018; ExAC 0.00017; 1000 Genomes Project 0.00040; 1000 Genomes Project 30x 0.00062.
gnomAD v4.1: 147 of 1,613,914 alleles (0.0091%); highest among the groups gnomAD compares: South Asian, 0.15%; 4 homozygotes.

Submissions (2):

Labcorp Genetics (formerly Invitae), Labcorp
Classification: Uncertain significance for Agammaglobulinemia 2, autosomal recessive. Last evaluated: 2025-09-28. Review status: criteria provided, single submitter. Criteria: Invitae Variant Classification Sherloc (09022015). Collection method: clinical testing. Allele origin: germline.
Comment: This sequence change replaces proline, which is neutral and non-polar, with leucine, which is neutral and non-polar, at codon 114 of the IGLL1 protein (p.Pro114Leu). This variant is present in population databases (rs575368058, gnomAD 0.1%), and has an allele count higher than expected for a pathogenic variant. This variant has not been reported in the literature in individuals affected with IGLL1-related conditions. ClinVar contains an entry for this variant (Variation ID: 849960). An algorithm developed to predict the effect of missense changes on protein structure and function (PolyPhen-2) suggests that this variant is likely to be disruptive. In summary, the available evidence is currently insufficient to determine the role of this variant in disease. Therefore, it has been classified as a Variant of Uncertain Significance.

Ambry Genetics
Classification: Uncertain significance. Last evaluated: 2025-08-03. Review status: criteria provided, single submitter. Criteria: Ambry Variant Classification Scheme 2023. Collection method: clinical testing. Allele origin: germline.

NM_020070.4(IGLL1):c.341C>T (p.Pro114Leu)

Gene: IGLL1 (immunoglobulin lambda like polypeptide 1; minus strand). Cytogenetic location: 22q11.23.
Variant type: single nucleotide variant.
Coding change: c.341C>T on transcript NM_020070.4 (MANE Select); coding-DNA position 341, C replaced by T.
Protein change: p.Pro114Leu; replaces proline 114 with leucine.
Molecular consequence: missense variant. On other transcripts: synonymous variant (1).
Genome position (GRCh38, 1-based): chr22:23,573,567, G>A on the plus strand (C>T on the coding strand, the complement: IGLL1 is on the minus strand). VCF-style: chr22-23573567-G-A. GRCh37 (hg19) VCF-style: chr22-23915754-G-A.
Other names: c.344C>T, p.Pro115Leu (NM_001369906.1); c.225C>T, p.Pro75= (NM_152855.3); c.341C>T (NM_020070.2); short protein forms P115L, P114L.
Identifiers: ClinVar variation 849960 (VCV000849960.9), dbSNP rs575368058, ClinGen allele CA10143304.